The following is an entry in ClinVar:

NM_001040142.2(SCN2A):c.4428C>T (p.Phe1476=)

Gene: SCN2A (sodium voltage-gated channel alpha subunit 2; plus strand). Cytogenetic location: 2q24.3.
Variant type: single nucleotide variant.
Coding change: c.4428C>T on transcript NM_001040142.2 (MANE Select); coding-DNA position 4428, C replaced by T.
Protein change: p.Phe1476=; no amino-acid change (phenylalanine 1476 retained).
Molecular consequence: synonymous variant.
Genome position (GRCh38, 1-based): chr2:165,380,711, C>T. VCF-style: chr2-165380711-C-T. GRCh37 (hg19) VCF-style: chr2-166237221-C-T.
Other names: c.4428C>T, p.Phe1476= (NM_001040143.2, NM_001371246.1, NM_001371247.1 and 1 more transcripts).
Identifiers: ClinVar variation 2002097 (VCV002002097.4), dbSNP rs2468126684, ClinGen allele CA429888222.

ClinVar aggregate classification (germline): Uncertain significance (1 of 4 stars; one submission).

Conditions:
Seizures, benign familial infantile, 3 (BFIS3). Also called: Familial neonatal seizures; CONVULSIONS, BENIGN FAMILIAL INFANTILE, 3. Identifiers: Orphanet 140927, Orphanet 306, MedGen C1843140, MONDO:0011904, OMIM 607745.
Developmental and epileptic encephalopathy, 11 (DEE11). Also called: Early infantile epileptic encephalopathy 11. Identifiers: Orphanet 1934, MedGen C3150987, MONDO:0013388, OMIM 613721.

Submission:

Labcorp Genetics (formerly Invitae), Labcorp
Classification: Uncertain significance for Seizures, benign familial infantile, 3; Developmental and epileptic encephalopathy, 11. Last evaluated: 2022-06-02. Review status: criteria provided, single submitter. Criteria: Invitae Variant Classification Sherloc (09022015). Collection method: clinical testing. Allele origin: germline.
Comment: This variant has not been reported in the literature in individuals affected with SCN2A-related conditions. This variant is not present in population databases (gnomAD no frequency). Algorithms developed to predict the effect of sequence changes on RNA splicing suggest that this variant may disrupt the consensus splice site. In summary, the available evidence is currently insufficient to determine the role of this variant in disease. Therefore, it has been classified as a Variant of Uncertain Significance. This sequence change affects codon 1476 of the SCN2A mRNA. It is a 'silent' change, meaning that it does not change the encoded amino acid sequence of the SCN2A protein.